The following is an entry in ClinVar:

NM_015272.5(RPGRIP1L):c.287G>A (p.Gly96Asp)

Gene: RPGRIP1L (RPGRIP1 like; minus strand). Cytogenetic location: 16q12.2.
Variant type: single nucleotide variant.
Coding change: c.287G>A on transcript NM_015272.5 (MANE Select); coding-DNA position 287, G replaced by A.
Protein change: p.Gly96Asp; replaces glycine 96 with aspartic acid.
Molecular consequence: missense variant.
Genome position (GRCh38, 1-based): chr16:53,692,308, C>T on the plus strand (G>A on the coding strand, the complement: RPGRIP1L is on the minus strand). VCF-style: chr16-53692308-C-T. GRCh37 (hg19) VCF-style: chr16-53726220-C-T.
Other names: c.287G>A (NM_015272.2, NM_015272.4); c.287G>A, p.Gly96Asp (NM_001127897.4, NM_001308334.3, NM_001330538.2); short protein forms G96D.
Identifiers: ClinVar variation 2044668 (VCV002044668.7), dbSNP rs201385056, ClinGen allele CA8058144.

ClinVar aggregate classification (germline): Uncertain significance. Review status: criteria provided, multiple submitters, no conflicts (2 of 4 stars). 5 submissions from 5 submitters: Uncertain significance (4). 1 of the submissions does not count toward it. Last evaluated 2025-01-29.

Conditions:
Joubert syndrome 7 (JBTS7). Identifiers: Orphanet 220497, MedGen C1969053, MONDO:0012694, OMIM 611560.
COACH syndrome 3. Identifiers: MedGen C5436841, MONDO:0030862, OMIM 619113.
Meckel syndrome, type 5 (MKS5). Identifiers: Orphanet 564, MedGen C1969052, MONDO:0012695, OMIM 611561.
Joubert syndrome. Also called: Familial aplasia of the vermis; JOUBERT-BOLTSHAUSER SYNDROME. Identifiers: Orphanet 475, MedGen C5979921, MONDO:0018772.
Meckel-Gruber syndrome. Also called: DYSENCEPHALIA SPLANCHNOCYSTICA; GRUBER SYNDROME; Dysencephalia splachnocystica. Identifiers: Orphanet 564, MedGen C0265215, MONDO:0018921.
RPGRIP1L-related disorder. Also called: RPGRIP1L-related disorders; RPGRIP1L-related condition. Identifiers: MedGen CN239416.
Inborn genetic diseases. Identifiers: MedGen C0950123, MeSH D030342.

Allele frequency attached by ClinVar (database versions not stated): ExAC 0.00002; TOPMed 0.00004; gnomAD 0.00005; ESP Exome Variant Server 0.00008; 1000 Genomes Project 0.00020; 1000 Genomes Project 30x 0.00031.
gnomAD v4.1: 59 of 1,614,140 alleles (0.0037%); highest among the groups gnomAD compares: Non-Finnish European, 0.0043%; no homozygotes.

Submissions (5):

Ambry Genetics
Classification: Uncertain significance for Inborn genetic diseases. Last evaluated: 2025-01-29. Review status: criteria provided, single submitter. Criteria: Ambry Variant Classification Scheme 2023. Collection method: clinical testing. Allele origin: germline.

Labcorp Genetics (formerly Invitae), Labcorp
Classification: Uncertain significance for Joubert syndrome; Meckel-Gruber syndrome. Last evaluated: 2024-11-04. Review status: criteria provided, single submitter. Criteria: Invitae Variant Classification Sherloc (09022015). Collection method: clinical testing. Allele origin: germline.
Comment: This sequence change replaces glycine, which is neutral and non-polar, with aspartic acid, which is acidic and polar, at codon 96 of the RPGRIP1L protein (p.Gly96Asp). This variant is present in population databases (rs201385056, gnomAD 0.006%). This variant has not been reported in the literature in individuals affected with RPGRIP1L-related conditions. ClinVar contains an entry for this variant (Variation ID: 2044668). Invitae Evidence Modeling of protein sequence and biophysical properties (such as structural, functional, and spatial information, amino acid conservation, physicochemical variation, residue mobility, and thermodynamic stability) indicates that this missense variant is not expected to disrupt RPGRIP1L protein function with a negative predictive value of 80%. In summary, the available evidence is currently insufficient to determine the role of this variant in disease. Therefore, it has been classified as a Variant of Uncertain Significance.

Blueprint Genetics
Classification: Uncertain significance. Last evaluated: 2024-07-08. Review status: criteria provided, single submitter. Criteria: ACMG Guidelines, 2015. Collection method: clinical testing. Allele origin: germline.

Fulgent Genetics
Classification: Uncertain significance for Joubert syndrome 7; Meckel syndrome, type 5; COACH syndrome 3. Last evaluated: 2024-06-20. Review status: criteria provided, single submitter. Criteria: ACMG Guidelines, 2015. Collection method: clinical testing. Allele origin: germline.

PreventionGenetics, part of Exact Sciences
Classification: Uncertain significance for RPGRIP1L-related condition. Last evaluated: 2024-05-14. Review status: no assertion criteria provided. Collection method: clinical testing. Allele origin: germline. Not counted in ClinVar's aggregate classification.
Comment: The RPGRIP1L c.287G>A variant is predicted to result in the amino acid substitution p.Gly96Asp. To our knowledge, this variant has not been reported in the literature. This variant is reported in 0.0070% of alleles in individuals of European (Non-Finnish) descent in gnomAD. At this time, the clinical significance of this variant is uncertain due to the absence of conclusive functional and genetic evidence.